The following is an entry in ClinVar:

ClinVar aggregate classification (germline): Uncertain significance (1 of 4 stars; one submission).

Submission:

Labcorp Genetics (formerly Invitae), Labcorp
Classification: Uncertain significance. Last evaluated: 2022-09-06. Review status: criteria provided, single submitter. Criteria: Invitae Variant Classification Sherloc (09022015). Collection method: clinical testing. Allele origin: germline.
Comment: This sequence change replaces arginine, which is basic and polar, with serine, which is neutral and polar, at codon 187 of the CDC6 protein (p.Arg187Ser). In summary, the available evidence is currently insufficient to determine the role of this variant in disease. Therefore, it has been classified as a Variant of Uncertain Significance. Algorithms developed to predict the effect of missense changes on protein structure and function (SIFT, PolyPhen-2, Align-GVGD) all suggest that this variant is likely to be tolerated. This variant has not been reported in the literature in individuals affected with CDC6-related conditions. This variant is not present in population databases (gnomAD no frequency).

NM_001254.4(CDC6):c.561G>T (p.Arg187Ser)

Gene: CDC6 (cell division cycle 6; plus strand). Cytogenetic location: 17q21.2.
Variant type: single nucleotide variant.
Coding change: c.561G>T on transcript NM_001254.4 (MANE Select); coding-DNA position 561, G replaced by T.
Protein change: p.Arg187Ser; replaces arginine 187 with serine.
Molecular consequence: missense variant.
Genome position (GRCh38, 1-based): chr17:40,291,569, G>T. VCF-style: chr17-40291569-G-T. GRCh37 (hg19) VCF-style: chr17-38447821-G-T.
Other names: short protein forms R187S.
Identifiers: ClinVar variation 1717760 (VCV001717760.5), dbSNP rs2544134808, ClinGen allele CA399328007.